The following is an entry in ClinVar:

ClinVar aggregate classification (germline): Uncertain significance (1 of 4 stars; one submission).

Submission:

Labcorp Genetics (formerly Invitae), Labcorp
Classification: Uncertain significance. Last evaluated: 2022-02-05. Review status: criteria provided, single submitter. Criteria: Invitae Variant Classification Sherloc (09022015). Collection method: clinical testing. Allele origin: germline.
Comment: In summary, the available evidence is currently insufficient to determine the role of this variant in disease. Therefore, it has been classified as a Variant of Uncertain Significance. Algorithms developed to predict the effect of missense changes on protein structure and function output the following: SIFT: "Tolerated"; PolyPhen-2: "Benign"; Align-GVGD: "Class C0". The arginine amino acid residue is found in multiple mammalian species, which suggests that this missense change does not adversely affect protein function. This variant has not been reported in the literature in individuals affected with NLRP1-related conditions. This variant is not present in population databases (gnomAD no frequency). This sequence change replaces serine, which is neutral and polar, with arginine, which is basic and polar, at codon 170 of the NLRP1 protein (p.Ser170Arg).

NM_033004.4(NLRP1):c.510C>G (p.Ser170Arg)

Gene: NLRP1 (NLR family pyrin domain containing 1; minus strand). Cytogenetic location: 17p13.2.
Variant type: single nucleotide variant.
Coding change: c.510C>G on transcript NM_033004.4 (MANE Select); coding-DNA position 510, C replaced by G.
Protein change: p.Ser170Arg; replaces serine 170 with arginine.
Molecular consequence: missense variant.
Genome position (GRCh38, 1-based): chr17:5,582,001, G>C on the plus strand (C>G on the coding strand, the complement: NLRP1 is on the minus strand). VCF-style: chr17-5582001-G-C. GRCh37 (hg19) VCF-style: chr17-5485321-G-C.
Other names: c.510C>G, p.Ser170Arg (NM_001033053.3, NM_014922.5, NM_033006.4 and 1 more transcripts); short protein forms S170R.
Identifiers: ClinVar variation 1484540 (VCV001484540.8), dbSNP rs1278091061, ClinGen allele CA397389817.
Genomic context (GRCh38, chr17:5,582,001, plus strand): 5'-AGGTGGGGATCCCCAGCTCCCCAGCACTGCTGTGGATGTGGGGGCGTTGGGTGACTCCTG[G>C]CTTGGAGACTCATGGTCTGGGGAGCTTGGAAGAGCTTGGTAGAGGAGTGAGGCAGAGATT-3'
Protein context (NP_127497.1, residues 160-180): LPSSPDHESP[Ser170Arg]QESPNAPTST